The following is an entry in ClinVar:

ClinVar aggregate classification (germline): Uncertain significance. Review status: criteria provided, multiple submitters, no conflicts (2 of 4 stars). 2 submissions from 2 submitters: Uncertain significance (2). Last evaluated 2024-10-08.

Conditions:
Charcot-Marie-Tooth disease dominant intermediate E. Also called: CHARCOT-MARIE-TOOTH NEUROPATHY WITH FOCAL SEGMENTAL GLOMERULONEPHRITIS. Identifiers: Orphanet 93114, MedGen C4302667, MONDO:0013758, OMIM 614455.
Focal segmental glomerulosclerosis 5 (FSGS5). Identifiers: Orphanet 656, MedGen C2750475, MONDO:0013191, OMIM 613237.

gnomAD v4.1: 2 of 1,613,022 alleles (0.00012%); highest among the groups gnomAD compares: Non-Finnish European, 0.00017%; no homozygotes.

Submissions (2):

Labcorp Genetics (formerly Invitae), Labcorp
Classification: Uncertain significance for Charcot-Marie-Tooth disease dominant intermediate E; Focal segmental glomerulosclerosis 5. Last evaluated: 2024-10-08. Review status: criteria provided, single submitter. Criteria: Invitae Variant Classification Sherloc (09022015). Collection method: clinical testing. Allele origin: germline.
Comment: This sequence change replaces aspartic acid, which is acidic and polar, with asparagine, which is neutral and polar, at codon 634 of the INF2 protein (p.Asp634Asn). This variant is not present in population databases (gnomAD no frequency). This variant has not been reported in the literature in individuals affected with INF2-related conditions. ClinVar contains an entry for this variant (Variation ID: 2137320). Invitae Evidence Modeling of protein sequence and biophysical properties (such as structural, functional, and spatial information, amino acid conservation, physicochemical variation, residue mobility, and thermodynamic stability) indicates that this missense variant is not expected to disrupt INF2 protein function with a negative predictive value of 95%. In summary, the available evidence is currently insufficient to determine the role of this variant in disease. Therefore, it has been classified as a Variant of Uncertain Significance.

Revvity Omics, Revvity
Classification: Uncertain significance. Last evaluated: 2019-04-24. Review status: criteria provided, single submitter. Criteria: ACMG Guidelines, 2015. Collection method: clinical testing. Allele origin: germline.

NM_022489.4(INF2):c.1900G>A (p.Asp634Asn)

Gene: INF2 (inverted formin 2; plus strand). Cytogenetic location: 14q32.33.
Variant type: single nucleotide variant.
Coding change: c.1900G>A on transcript NM_022489.4 (MANE Select); coding-DNA position 1900, G replaced by A.
Protein change: p.Asp634Asn; replaces aspartic acid 634 with asparagine.
Molecular consequence: missense variant.
Genome position (GRCh38, 1-based): chr14:104,708,683, G>A. VCF-style: chr14-104708683-G-A. GRCh37 (hg19) VCF-style: chr14-105175020-G-A.
Other names: c.1900G>A, p.Asp634Asn (NM_001031714.4); c.1900G>A (NM_022489.3); short protein forms D634N.
Identifiers: ClinVar variation 2137320 (VCV002137320.7), dbSNP rs774484640, ClinGen allele CA391219017.